The following is an entry in ClinVar:

NM_015978.3(TNNI3K):c.1798G>A (p.Gly600Arg)

Genes: TNNI3K (TNNI3 interacting kinase; plus strand), FPGT-TNNI3K (FPGT-TNNI3K readthrough; plus strand). Cytogenetic location: 1p31.1.
Variant type: single nucleotide variant.
Coding change: c.1798G>A on transcript NM_015978.3 (MANE Select); coding-DNA position 1798, G replaced by A.
Protein change: p.Gly600Arg; replaces glycine 600 with arginine.
Molecular consequence: missense variant.
Genome position (GRCh38, 1-based): chr1:74,436,105, G>A. VCF-style: chr1-74436105-G-A. GRCh37 (hg19) VCF-style: chr1-74901789-G-A.
Other names: c.2101G>A, p.Gly701Arg (NM_001112808.3, NM_001199327.2); short protein forms G600R, G701R.
Identifiers: ClinVar variation 1720829 (VCV001720829.5), dbSNP rs2524720778, ClinGen allele CA340788742.

ClinVar aggregate classification (germline): Uncertain significance (1 of 4 stars; one submission).

Submission:

Labcorp Genetics (formerly Invitae), Labcorp
Classification: Uncertain significance. Last evaluated: 2023-04-05. Review status: criteria provided, single submitter. Criteria: Invitae Variant Classification Sherloc (09022015). Collection method: clinical testing. Allele origin: germline.
Comment: In summary, the available evidence is currently insufficient to determine the role of this variant in disease. Therefore, it has been classified as a Variant of Uncertain Significance. Algorithms developed to predict the effect of sequence changes on RNA splicing suggest that this variant may disrupt the consensus splice site. An algorithm developed to predict the effect of missense changes on protein structure and function (PolyPhen-2) suggests that this variant is likely to be disruptive. ClinVar contains an entry for this variant (Variation ID: 1720829). This variant has not been reported in the literature in individuals affected with TNNI3K-related conditions. This variant is not present in population databases (gnomAD no frequency). This sequence change replaces glycine, which is neutral and non-polar, with arginine, which is basic and polar, at codon 600 of the TNNI3K protein (p.Gly600Arg).